The following is an entry in ClinVar:

NM_000138.5(FBN1):c.212G>A (p.Trp71Ter)

Gene: FBN1 (fibrillin 1; minus strand). Cytogenetic location: 15q21.1.
Variant type: single nucleotide variant.
Coding change: c.212G>A on transcript NM_000138.5 (MANE Select); coding-DNA position 212, G replaced by A.
Protein change: p.Trp71Ter; replaces tryptophan 71 with a stop codon.
Molecular consequence: nonsense.
Genome position (GRCh38, 1-based): chr15:48,613,045, C>T on the plus strand (G>A on the coding strand, the complement: FBN1 is on the minus strand). VCF-style: chr15-48613045-C-T. GRCh37 (hg19) VCF-style: chr15-48905242-C-T.
Other names: c.212G>A, p.Trp71Ter (NM_001406716.1, NM_001406717.1); short protein forms W71*.
Identifiers: ClinVar variation 4786958 (VCV004786958.1).

ClinVar aggregate classification (germline): Pathogenic (1 of 4 stars; one submission).

Conditions:
Marfan syndrome (MFS). Also called: FBN1-Related Marfan Syndrome; MARFAN SYNDROME, TYPE I; Marfan syndrome type 1; Marfan's syndrome; Marfan syndrome, classic. Identifiers: Orphanet 284963, Orphanet 558, MedGen C0024796, MONDO:0007947, OMIM 154700.
Familial thoracic aortic aneurysm and aortic dissection (TAAD). Also called: Thoracic aortic aneurysms and dissections. Identifiers: Orphanet 91387, MedGen C4707243, MONDO:0019625.

Submission:

Labcorp Genetics (formerly Invitae), Labcorp
Classification: Pathogenic for Marfan syndrome; Familial thoracic aortic aneurysm and aortic dissection. Last evaluated: 2025-12-09. Review status: criteria provided, single submitter. Criteria: Invitae Variant Classification Sherloc (09022015). Collection method: clinical testing. Allele origin: germline.
Comment: This sequence change creates a premature translational stop signal (p.Trp71*) in the FBN1 gene. It is expected to result in an absent or disrupted protein product. Loss-of-function variants in FBN1 are known to be pathogenic (PMID: 17657824, 19293843). This variant is not present in population databases (gnomAD no frequency). This premature translational stop signal has been observed in individual(s) with clinical features of Marfan syndrome (PMID: 31098894). For these reasons, this variant has been classified as Pathogenic.

Literature cited by the submitters: PubMed 17657824; PubMed 19293843; PubMed 31098894.